The following is an entry in ClinVar:

ClinVar aggregate classification (germline): Uncertain significance. Review status: criteria provided, multiple submitters, no conflicts (2 of 4 stars). 2 submissions from 2 submitters: Uncertain significance (2). Last evaluated 2025-09-11.

Conditions:
Inborn genetic diseases. Identifiers: MedGen C0950123, MeSH D030342.

gnomAD v4.1: 4 of 1,613,988 alleles (0.00025%); highest among the groups gnomAD compares: Non-Finnish European, 0.00034%; no homozygotes.

Submissions (2):

Ambry Genetics
Classification: Uncertain significance for Inborn genetic diseases. Last evaluated: 2025-09-11. Review status: criteria provided, single submitter. Criteria: Ambry Variant Classification Scheme 2023. Collection method: clinical testing. Allele origin: germline.

GeneDx
Classification: Uncertain significance. Last evaluated: 2025-07-30. Review status: criteria provided, single submitter. Criteria: GeneDx Variant Classification Process June 2021. Collection method: clinical testing. Allele origin: germline. Affected: yes.
Comment: Not observed at significant frequency in large population cohorts (gnomAD); In silico analysis supports that this missense variant has a deleterious effect on protein structure/function; Has not been previously published as pathogenic or benign to our knowledge

NM_003849.4(SUCLG1):c.800C>G (p.Ala267Gly)

Gene: SUCLG1 (succinate-CoA ligase GDP/ADP-forming subunit alpha; minus strand). Cytogenetic location: 2p11.2.
Variant type: single nucleotide variant.
Coding change: c.800C>G on transcript NM_003849.4 (MANE Select); coding-DNA position 800, C replaced by G.
Protein change: p.Ala267Gly; replaces alanine 267 with glycine.
Molecular consequence: missense variant.
Genome position (GRCh38, 1-based): chr2:84,431,533, G>C on the plus strand (C>G on the coding strand, the complement: SUCLG1 is on the minus strand). VCF-style: chr2-84431533-G-C. GRCh37 (hg19) VCF-style: chr2-84658657-G-C.
Other names: short protein forms A267G.
Identifiers: ClinVar variation 4177480 (VCV004177480.2).